The following is an entry in ClinVar:

NM_130384.3(ATRIP):c.1940C>T (p.Ala647Val)

Genes: ATRIP (ATR interacting protein; plus strand), ATRIP-TREX1 (ATRIP-TREX1 readthrough; plus strand). Cytogenetic location: 3p21.31.
Variant type: single nucleotide variant.
Coding change: c.1940C>T on transcript NM_130384.3 (MANE Select); coding-DNA position 1940, C replaced by T.
Protein change: p.Ala647Val; replaces alanine 647 with valine.
Molecular consequence: missense variant. On other transcripts: non-coding transcript variant (1).
Genome position (GRCh38, 1-based): chr3:48,464,098, C>T. VCF-style: chr3-48464098-C-T. GRCh37 (hg19) VCF-style: chr3-48505497-C-T.
Other names: c.1940C>T, p.Ala647Val (NM_032166.4); c.1559C>T, p.Ala520Val (NM_001271022.2); c.1661C>T, p.Ala554Val (NM_001271023.2); short protein forms A520V, A554V, A647V.
Identifiers: ClinVar variation 4181809 (VCV004181809.1).

ClinVar aggregate classification (germline): Uncertain significance (1 of 4 stars; one submission).

gnomAD v4.1: 1 of 1,613,878 alleles (0.000062%); highest among the groups gnomAD compares: African/African-American, 0.0013%; no homozygotes.

Submission:

Ambry Genetics
Classification: Uncertain significance. Last evaluated: 2025-06-18. Review status: criteria provided, single submitter. Criteria: Ambry Variant Classification Scheme 2023. Collection method: clinical testing. Allele origin: germline.
Comment: The p.A647V variant (also known as c.1940C>T), located in coding exon 10 of the ATRIP gene, results from a C to T substitution at nucleotide position 1940. The alanine at codon 647 is replaced by valine, an amino acid with similar properties. This amino acid position is conserved. In addition, this alteration is predicted to be tolerated by in silico analysis. Based on the available evidence, the clinical significance of this variant remains unclear.